The following is an entry in ClinVar:

NM_016204.4(GDF2):c.871G>A (p.Gly291Ser)

Gene: GDF2 (growth differentiation factor 2; plus strand). Cytogenetic location: 10q11.22.
Variant type: single nucleotide variant.
Coding change: c.871G>A on transcript NM_016204.4 (MANE Select); coding-DNA position 871, G replaced by A.
Protein change: p.Gly291Ser; replaces glycine 291 with serine.
Molecular consequence: missense variant.
Genome position (GRCh38, 1-based): chr10:47,325,365, G>A. VCF-style: chr10-47325365-G-A. GRCh37 (hg19) VCF-style: chr10-48413997-C-T.
Other names: c.871G>A (NM_016204.3, NM_016204.1); short protein forms G291S.
Identifiers: ClinVar variation 390215 (VCV000390215.40), dbSNP rs201711410, ClinGen allele CA5488002.

ClinVar aggregate classification (germline): Conflicting classifications of pathogenicity. Review status: criteria provided, conflicting classifications (1 of 4 stars). 8 submissions from 8 submitters: Uncertain significance (4); Benign (1); Likely benign (1). 2 of the submissions do not count toward it. Last evaluated 2025-12-12.

Conditions:
Cardiovascular phenotype. Identifiers: MedGen CN230736.
Telangiectasia, hereditary hemorrhagic, type 5 (HHT5). Identifiers: Orphanet 774, MedGen C3809710, MONDO:0014217, OMIM 615506.
GDF2-related disorder. Also called: GDF2-related condition.

Allele frequency attached by ClinVar (database versions not stated): 1000 Genomes Project 30x 0.00047; TOPMed 0.00090; 1000 Genomes Project 0.00040; gnomAD 0.00042 and 0.00045.

Submissions (8):

Ambry Genetics
Classification: Benign for Cardiovascular phenotype. Last evaluated: 2025-12-12. Review status: criteria provided, single submitter. Criteria: Ambry Variant Classification Scheme 2023. Collection method: clinical testing. Allele origin: germline.

Labcorp Genetics (formerly Invitae), Labcorp
Classification: Uncertain significance for Telangiectasia, hereditary hemorrhagic, type 5. Last evaluated: 2022-10-13. Review status: criteria provided, single submitter. Criteria: Invitae Variant Classification Sherloc (09022015). Collection method: clinical testing. Allele origin: germline.
Comment: This sequence change replaces glycine, which is neutral and non-polar, with serine, which is neutral and polar, at codon 291 of the GDF2 protein (p.Gly291Ser). This variant is present in population databases (rs201711410, gnomAD 0.03%). This missense change has been observed in individual(s) with pulmonary arterial malformations, pulmonary arterial hypertension or hypertrophic cardiomyopathy (PMID: 31661308, 32992168). ClinVar contains an entry for this variant (Variation ID: 390215). Algorithms developed to predict the effect of missense changes on protein structure and function output the following: SIFT: "Tolerated"; PolyPhen-2: "Benign"; Align-GVGD: "Class C0". The serine amino acid residue is found in multiple mammalian species, which suggests that this missense change does not adversely affect protein function. In summary, the available evidence is currently insufficient to determine the role of this variant in disease. Therefore, it has been classified as a Variant of Uncertain Significance.

CeGaT Center for Human Genetics Tuebingen
Classification: Likely benign. Last evaluated: 2022-07-01. Review status: criteria provided, single submitter. Criteria: CeGaT Center For Human Genetics Tuebingen Variant Classification Criteria Version 2. Collection method: clinical testing. Allele origin: germline. Affected: yes. Observed: 1 variant allele.
Comment: GDF2: BS2

Fulgent Genetics
Classification: Uncertain significance for Telangiectasia, hereditary hemorrhagic, type 5. Last evaluated: 2022-02-08. Review status: criteria provided, single submitter. Criteria: ACMG Guidelines, 2015. Collection method: clinical testing. Allele origin: unknown.

ARUP Laboratories, Molecular Genetics and Genomics, ARUP Laboratories
Classification: Uncertain significance. Last evaluated: 2018-05-15. Review status: criteria provided, single submitter. Criteria: ARUP Molecular Germline Variant Investigation Process. Collection method: clinical testing. Allele origin: germline.
Comment: The GDF2 c.871G>A; p.Gly291Ser variant (rs201711410), to our knowledge, is not reported in the medical literature but is reported in ClinVar (Variation ID: 390215). This variant is found in the general population with an overall allele frequency of 0.007% (20/277208 alleles) in the Genome Aggregation Database. The glycine at codon 291 is weakly conserved, and computational analyses (SIFT, PolyPhen-2) predict that this variant is tolerated. However, given the lack of clinical and functional data, the significance of the p.Gly291Ser variant is uncertain at this time.

GeneDx
Classification: Uncertain significance. Last evaluated: 2016-10-26. Review status: criteria provided, single submitter. Criteria: GeneDx Variant Classification (06012015). Collection method: clinical testing. Allele origin: germline. Affected: yes.
Comment: The G291S variant in the GDF2 gene has not been reported previously as a pathogenic variant, nor as a benign variant, to our knowledge. The G291S variant was not observed in approximately 6500 individuals of European and African American ancestry in the NHLBI Exome Sequencing Project, indicating it is not a common benign variant in these populations. The G291S variant is a non-conservative amino acid substitution, which occurs at a position that is not conserved. In silico analysis predicts this variant likely does not alter the protein structure/function. We interpret G291S as a variant of uncertain significance,

PreventionGenetics, part of Exact Sciences
Classification: Uncertain significance for GDF2-related condition. Last evaluated: 2024-02-02. Review status: no assertion criteria provided. Collection method: clinical testing. Allele origin: germline. Not counted in ClinVar's aggregate classification.
Comment: The GDF2 c.871G>A variant is predicted to result in the amino acid substitution p.Gly291Ser. This variant was reported in an individual with pulmonary arteriovenous malformations (Topiwala et al. 2020. PubMed ID: 32992168). This variant is reported in 0.031% of alleles in individuals of Latino descent in gnomAD. At this time, the clinical significance of this variant is uncertain due to the absence of conclusive functional and genetic evidence.

Department of Pathology and Laboratory Medicine, Sinai Health System
Classification: Uncertain significance. Review status: no assertion criteria provided. Collection method: clinical testing. Allele origin: unknown. Affected: yes. Study: The Canadian Open Genetics Repository (COGR). Not counted in ClinVar's aggregate classification.
Comment: The GDF2 p.Gly291Ser variant was identified in the literature in a case of idiopathic and heritable pulmonary arterial hypertension and a case of hypertrophic cardiomyopathy but suggested to be benign (Hodgson_2020_PMID:31661308). The variant was identified in dbSNP (ID: rs201711410) and ClinVar (classified as uncertain significance by Invitae, GeneDx and ARUP laboratories). The variant was identified in control databases in 20 of 282818 chromosomes at a frequency of 0.00007072 (Genome Aggregation Database March 6, 2019, v2.1.1). The variant was observed in the following populations: Latino in 11 of 35434 chromosomes (freq: 0.00031), Other in 2 of 7226 chromosomes (freq: 0.000277), South Asian in 2 of 30616 chromosomes (freq: 0.000065), African in 1 of 24962 chromosomes (freq: 0.00004) and European (non-Finnish) in 4 of 129146 chromosomes (freq: 0.000031), but was not observed in the Ashkenazi Jewish, East Asian, or European (Finnish) populations. The p.Gly291 residue is not conserved in mammals and computational analyses (PolyPhen-2, SIFT, AlignGVGD, BLOSUM, MutationTaster) do not suggest a high likelihood of impact to the protein; however, this information is not predictive enough to rule out pathogenicity. The variant occurs outside of the splicing consensus sequence and in silico or computational prediction software programs (SpliceSiteFinder, MaxEntScan, NNSPLICE, GeneSplicer) do not predict a difference in splicing. In summary, based on the above information the clinical significance of this variant cannot be determined with certainty at this time. This variant is classified as a variant of uncertain significance.

Literature cited by the submitters: PubMed 31661308 (cited by Labcorp Genetics (formerly Invitae), Labcorp); PubMed 32992168 (cited by Labcorp Genetics (formerly Invitae), Labcorp).